The following is an entry in ClinVar:

NM_000548.5(TSC2):c.1112A>C (p.Gln371Pro)

Gene: TSC2 (TSC complex subunit 2; plus strand). Cytogenetic location: 16p13.3.
Variant type: single nucleotide variant.
Coding change: c.1112A>C on transcript NM_000548.5 (MANE Select); coding-DNA position 1112, A replaced by C.
Protein change: p.Gln371Pro; replaces glutamine 371 with proline.
Molecular consequence: missense variant. On other transcripts: 5 prime UTR variant (10), non-coding transcript variant (5).
Genome position (GRCh38, 1-based): chr16:2,060,806, A>C. VCF-style: chr16-2060806-A-C. GRCh37 (hg19) VCF-style: chr16-2110807-A-C.
Other names: c.1112A>C, p.Gln371Pro (NM_001077183.3, NM_001114382.3, NM_001363528.2 and 6 more transcripts); c.1001A>C, p.Gln334Pro (NM_001318827.2, NM_001406670.1, NM_001406678.1); c.965A>C, p.Gln322Pro (NM_001318829.2, NM_001406675.1, NM_001406676.1 and 1 more transcripts); c.512A>C, p.Gln171Pro (NM_001318831.2, NM_001406687.1, NM_001406688.1 and 6 more transcripts); c.1145A>C, p.Gln382Pro (NM_001318832.2); c.1202A>C, p.Gln401Pro (NM_001406667.1, NM_001406668.1); c.1100A>C, p.Gln367Pro (NM_001406671.1, NM_001406673.1); c.-320A>C (NM_001406689.1, NM_001406690.1, NM_001406691.1 and 4 more transcripts); and 4 more; short protein forms Q334P, Q352P, Q171P, Q382P, Q322P, Q217P, Q367P, Q371P.
Identifiers: ClinVar variation 2741729 (VCV002741729.4), dbSNP rs1555500581, ClinGen allele CA394318376.

ClinVar aggregate classification (germline): Uncertain significance. Review status: criteria provided, multiple submitters, no conflicts (2 of 4 stars). 2 submissions from 2 submitters: Uncertain significance (2). Last evaluated 2026-02-15.

Conditions:
Tuberous sclerosis 2 (TSC2). Identifiers: Orphanet 805, MedGen C1860707, MONDO:0013199, OMIM 613254.
Hereditary cancer-predisposing syndrome. Also called: Tumor predisposition; Hereditary Cancer Syndrome; Hereditary neoplastic syndrome; Neoplastic Syndromes, Hereditary. Identifiers: Orphanet 140162, MedGen C0027672, MeSH D009386, MONDO:0015356.

Submissions (2):

Ambry Genetics
Classification: Uncertain significance for Hereditary cancer-predisposing syndrome. Last evaluated: 2026-02-15. Review status: criteria provided, single submitter. Criteria: Ambry Variant Classification Scheme 2023. Collection method: clinical testing. Allele origin: germline.
Comment: The p.Q371P variant (also known as c.1112A>C), located in coding exon 10 of the TSC2 gene, results from an A to C substitution at nucleotide position 1112. The glutamine at codon 371 is replaced by proline, an amino acid with similar properties. This amino acid position is conserved. In addition, this alteration is predicted to be deleterious by in silico analysis. Based on the available evidence, the clinical significance of this variant remains unclear.

Labcorp Genetics (formerly Invitae), Labcorp
Classification: Uncertain significance for Tuberous sclerosis 2. Last evaluated: 2023-08-01. Review status: criteria provided, single submitter. Criteria: Invitae Variant Classification Sherloc (09022015). Collection method: clinical testing. Allele origin: germline.
Comment: Advanced modeling of protein sequence and biophysical properties (such as structural, functional, and spatial information, amino acid conservation, physicochemical variation, residue mobility, and thermodynamic stability) performed at Invitae indicates that this missense variant is not expected to disrupt TSC2 protein function. In summary, the available evidence is currently insufficient to determine the role of this variant in disease. Therefore, it has been classified as a Variant of Uncertain Significance. This variant has not been reported in the literature in individuals affected with TSC2-related conditions. This sequence change replaces glutamine, which is neutral and polar, with proline, which is neutral and non-polar, at codon 371 of the TSC2 protein (p.Gln371Pro). This variant is not present in population databases (gnomAD no frequency).